The following is an entry in ClinVar:

ClinVar aggregate classification (germline): Likely benign (1 of 4 stars; one submission).

Allele frequency attached by ClinVar (database versions not stated): TOPMed below 0.00001; gnomAD 0.00001.
gnomAD v4.1: 3 of 1,520,698 alleles (0.0002%); highest among the groups gnomAD compares: Non-Finnish European, 0.00026%; no homozygotes.

Submission:

CeGaT Center for Human Genetics Tuebingen
Classification: Likely benign. Last evaluated: 2022-05-01. Review status: criteria provided, single submitter. Criteria: CeGaT Center For Human Genetics Tuebingen Variant Classification Criteria Version 2. Collection method: clinical testing. Allele origin: germline. Affected: yes. Observed: 1 variant allele.
Comment: SLC12A5: PM2:Supporting, BP4, BP7

NM_001134771.2(SLC12A5):c.121+8C>A

Genes: SLC12A5 (solute carrier family 12 member 5; plus strand), SLC12A5-AS1 (SLC12A5 and MMP9 antisense RNA 1; minus strand), LOC130065980 (ATAC-STARR-seq lymphoblastoid silent region 12971; plus strand). Cytogenetic location: 20q13.12.
Variant type: single nucleotide variant.
Coding change: c.121+8C>A on transcript NM_001134771.2; 8 bases into the intron after coding-DNA position 121, C replaced by A.
Molecular consequence: intron variant. On other transcripts: non-coding transcript variant (1).
Genome position (GRCh38, 1-based): chr20:46,021,894, C>A. VCF-style: chr20-46021894-C-A. GRCh37 (hg19) VCF-style: chr20-44650533-C-A.
Identifiers: ClinVar variation 2652358 (VCV002652358.22), dbSNP rs2084358442, ClinGen allele CA510653009.
Genomic context (GRCh38, chr20:46,021,894, plus strand): 5'-CCGCCGGCATTCGGTCGCAGACCCCCGCCACCTCCCGGGGGAAGACGTCAAAGGTAGAGG[C>A]CGCAGGGGGCGGGGCCTGCCAGGGCCGGGCGGGACGAGGGGGAGGGGCCGGGGCGGACCG-3'